The following is an entry in ClinVar:

NM_001267550.2(TTN):c.12543C>T (p.Thr4181=)

Gene: TTN (titin; minus strand). Cytogenetic location: 2q31.2.
Variant type: single nucleotide variant.
Coding change: c.12543C>T on transcript NM_001267550.2 (MANE Select); coding-DNA position 12543, C replaced by T.
Protein change: p.Thr4181=; no amino-acid change (threonine 4181 retained).
Molecular consequence: synonymous variant. On other transcripts: intron variant (1).
Genome position (GRCh38, 1-based): chr2:178,740,690, G>A on the plus strand (C>T on the coding strand, the complement: TTN is on the minus strand). VCF-style: chr2-178740690-G-A. GRCh37 (hg19) VCF-style: chr2-179605417-G-A.
Other names: c.11592C>T, p.Thr3864= (NM_001256850.1); c.11454C>T, p.Thr3818= (NM_003319.4); c.11829C>T, p.Thr3943= (NM_133432.3); c.12030C>T, p.Thr4010= (NM_133437.4); c.10361-2330C>T (NM_133378.4).
Identifiers: ClinVar variation 535065 (VCV000535065.18), dbSNP rs764856949, ClinGen allele CA2002700.
Genomic context (GRCh38, chr2:178,740,690, plus strand): 5'-AGGCTCAACTGTTAATGAATTAATTTGTTCTATGGACATGGCACTTGGGAAGATTTTCTC[G>A]GTATCTGATAGAACTGCCTGTGTCTCAGGCTCTTCAGGCATTAGAATACCTTCTTTGGAG-3'
Protein context (NP_001254479.2, residues 4171-4191): EPETQAVLSD[Thr4181=]EKIFPSAMSI

ClinVar aggregate classification (germline): Likely benign. Review status: criteria provided, multiple submitters, no conflicts (2 of 4 stars). 5 submissions from 5 submitters: Likely benign (3). 2 of the submissions do not count toward it. Last evaluated 2026-05-07.

Conditions:
Cardiovascular phenotype. Identifiers: MedGen CN230736.
TTN-related disorder. Also called: TTN-related condition; TTN-related disease; TTN-related disorders.
Dilated cardiomyopathy 1G (CMD1G). Identifiers: Orphanet 154, MedGen C1858763, MONDO:0011400, OMIM 604145.
Autosomal recessive limb-girdle muscular dystrophy type 2J (LGMDR10). Also called: MUSCULAR DYSTROPHY, LIMB-GIRDLE, AUTOSOMAL RECESSIVE 10; Limb-girdle muscular dystrophy, type 2J. Identifiers: Orphanet 140922, MedGen C1837342, MONDO:0012127, OMIM 608807.

Allele frequency attached by ClinVar (database versions not stated): gnomAD 0.00006 and 0.00005; ExAC 0.00003; gnomAD exomes 0.00003 and 0.00005; TOPMed 0.00005.
gnomAD v4.1: 75 of 1,613,630 alleles (0.0046%); highest among the groups gnomAD compares: African/African-American, 0.017%; no homozygotes.

Submissions (5):

PreventionGenetics, part of Exact Sciences
Classification: Likely benign for TTN-related condition. Last evaluated: 2026-05-07. Review status: criteria provided, single submitter. Criteria: ACMG Guidelines, 2015. Collection method: clinical testing. Allele origin: germline.
Comment: This variant is classified as likely benign based on ACMG/AMP sequence variant interpretation guidelines (Richards et al. 2015 PMID: 25741868, with internal and published modifications).

Labcorp Genetics (formerly Invitae), Labcorp
Classification: Likely benign for Dilated cardiomyopathy 1G; Autosomal recessive limb-girdle muscular dystrophy type 2J. Last evaluated: 2025-10-15. Review status: criteria provided, single submitter. Criteria: Invitae Variant Classification Sherloc (09022015). Collection method: clinical testing. Allele origin: germline.

Ambry Genetics
Classification: Likely benign for Cardiovascular phenotype. Last evaluated: 2020-02-12. Review status: criteria provided, single submitter. Criteria: Ambry Variant Classification Scheme 2023. Collection method: clinical testing. Allele origin: germline.

Clinical Genetics, Academic Medical Center
Classification: Benign. Review status: no assertion criteria provided. Collection method: clinical testing. Allele origin: germline. Affected: yes. Study: VKGL Data-share Consensus. Not counted in ClinVar's aggregate classification.

Diagnostic Laboratory, Department of Genetics, University Medical Center Groningen
Classification: Likely benign. Review status: no assertion criteria provided. Collection method: clinical testing. Allele origin: germline. Affected: yes. Study: VKGL Data-share Consensus. Not counted in ClinVar's aggregate classification.